The following is an entry in ClinVar:

NM_130837.3(OPA1):c.504C>G (p.Asp168Glu)

Gene: OPA1 (OPA1 mitochondrial dynamin like GTPase; plus strand). Cytogenetic location: 3q29.
Variant type: single nucleotide variant.
Coding change: c.504C>G on transcript NM_130837.3 (MANE Select); coding-DNA position 504, C replaced by G.
Protein change: p.Asp168Glu; replaces aspartic acid 168 with glutamic acid.
Molecular consequence: missense variant. On other transcripts: intron variant (5).
Genome position (GRCh38, 1-based): chr3:193,617,233, C>G. VCF-style: chr3-193617233-C-G. GRCh37 (hg19) VCF-style: chr3-193335022-C-G.
Other names: c.132C>G, p.Asp44Glu (NM_001354664.2); c.504C>G, p.Asp168Glu (NM_015560.3, NM_130834.3, NM_130836.3); c.76+1463C>G (NM_001354663.2); c.449-551C>G (NM_130835.3, NM_130832.3); c.448+1463C>G (NM_130833.3, NM_130831.3); short protein forms D168E, D44E.
Identifiers: ClinVar variation 2984513 (VCV002984513.3), dbSNP rs1262531072, ClinGen allele CA355787660.
Genomic context (GRCh38, chr3:193,617,233, plus strand): 5'-TCCAGAGAAAATTAGAAAAGCCCTTCCTAGTTCAGAAGACCTTGTAAAGTTAGCACCAGA[C>G]TTTGACAAGATTGTTGAAAGCCTTAGCTTATTGAAGGACTTTTTTACCTCAGGTAAGGAA-3'
Protein context (NP_570850.2, residues 158-178): SSEDLVKLAP[Asp168Glu]FDKIVESLSL

ClinVar aggregate classification (germline): Uncertain significance (1 of 4 stars; one submission).

Allele frequency attached by ClinVar (database versions not stated): gnomAD exomes below 0.00001.
gnomAD v4.1: 3 of 1,613,272 alleles (0.00019%); highest among the groups gnomAD compares: Non-Finnish European, 0.00025%; no homozygotes.

Submission:

Labcorp Genetics (formerly Invitae), Labcorp
Classification: Uncertain significance. Last evaluated: 2023-09-29. Review status: criteria provided, single submitter. Criteria: Invitae Variant Classification Sherloc (09022015). Collection method: clinical testing. Allele origin: germline.
Comment: In summary, the available evidence is currently insufficient to determine the role of this variant in disease. Therefore, it has been classified as a Variant of Uncertain Significance. Advanced modeling of protein sequence and biophysical properties (such as structural, functional, and spatial information, amino acid conservation, physicochemical variation, residue mobility, and thermodynamic stability) performed at Invitae indicates that this missense variant is not expected to disrupt OPA1 protein function. This variant has not been reported in the literature in individuals affected with OPA1-related conditions. This variant is present in population databases (no rsID available, gnomAD 0.007%). This sequence change replaces aspartic acid, which is acidic and polar, with glutamic acid, which is acidic and polar, at codon 168 of the OPA1 protein (p.Asp168Glu).